The following is an entry in ClinVar:

NM_001283009.2(RTEL1):c.2544del (p.Gly849fs)

Genes: RTEL1 (regulator of telomere elongation helicase 1; plus strand), RTEL1-TNFRSF6B (RTEL1-TNFRSF6B readthrough (NMD candidate); plus strand). Cytogenetic location: 20q13.33.
Variant type: Deletion.
Coding change: c.2544del on transcript NM_001283009.2 (MANE Select); coding-DNA position 2544, one base deleted (T; older notation c.2544delT).
Protein change: p.Gly849fs; shifts the reading frame from glycine 849.
Molecular consequence: frameshift variant. On other transcripts: non-coding transcript variant (1).
Genome position (GRCh38, 1-based): chr20:63,690,935, T deleted. VCF-style (leftmost placement, unchanged base first): chr20-63690934-CT-C. GRCh37 (hg19) VCF-style: chr20-62322287-CT-C.
Other names: c.1875del, p.Gly626fs (NM_001283010.1); c.2544del, p.Gly849fs (NM_016434.4); c.2616del, p.Gly873fs (NM_032957.5); short protein forms G626fs, G849fs, G873fs.
Identifiers: ClinVar variation 3763360 (VCV003763360.2).

ClinVar aggregate classification (germline): Pathogenic (1 of 4 stars; one submission).

Conditions:
Dyskeratosis congenita, autosomal recessive 5 (DKCB5). Identifiers: MedGen C3554656, MONDO:0014076, OMIM 615190.
Pulmonary fibrosis and/or bone marrow failure, Telomere-related, 3. Also called: PULMONARY FIBROSIS AND/OR BONE MARROW FAILURE SYNDROME, TELOMERE-RELATED, 3. Identifiers: Orphanet 2032, MedGen C4225346, MONDO:0014613, OMIM 616373.

Submission:

Labcorp Genetics (formerly Invitae), Labcorp
Classification: Pathogenic for Dyskeratosis congenita, autosomal recessive 5; Pulmonary fibrosis and/or bone marrow failure, Telomere-related, 3. Last evaluated: 2025-01-30. Review status: criteria provided, single submitter. Criteria: Invitae Variant Classification Sherloc (09022015). Collection method: clinical testing. Allele origin: germline.
Comment: This sequence change creates a premature translational stop signal (p.Gly849Alafs*55) in the RTEL1 gene. It is expected to result in an absent or disrupted protein product. Loss-of-function variants in RTEL1 are known to be pathogenic (PMID: 23453664, 23959892, 25607374). This variant is not present in population databases (gnomAD no frequency). This variant has not been reported in the literature in individuals affected with RTEL1-related conditions. For these reasons, this variant has been classified as Pathogenic.

Literature cited by the submitters: PubMed 23453664; PubMed 23959892; PubMed 25607374.